The following is an entry in ClinVar:

ClinVar aggregate classification (germline): Uncertain significance. Review status: criteria provided, multiple submitters, no conflicts (2 of 4 stars). 2 submissions from 2 submitters: Uncertain significance (2). Last evaluated 2026-04-07.

Conditions:
Inborn genetic diseases. Identifiers: MedGen C0950123, MeSH D030342.

Submissions (2):

GeneDx
Classification: Uncertain significance. Last evaluated: 2026-04-07. Review status: criteria provided, single submitter. Criteria: GeneDx Variant Classification Process June 2021. Collection method: clinical testing. Allele origin: germline.
Comment: Not observed at significant frequency in large population cohorts (gnomAD); In silico analysis supports that this missense variant has a deleterious effect on protein structure/function; In silico analysis suggests this variant may impact gene splicing. In the absence of RNA/functional studies, the actual effect of this sequence change is unknown.; Has not been previously published as pathogenic or benign to our knowledge

Ambry Genetics
Classification: Uncertain significance for Inborn genetic diseases. Last evaluated: 2024-12-11. Review status: criteria provided, single submitter. Criteria: Ambry Variant Classification Scheme 2023. Collection method: clinical testing. Allele origin: germline.

NM_004667.6(HERC2):c.655G>C (p.Asp219His)

Gene: HERC2 (HECT and RLD domain containing E3 ubiquitin protein ligase 2; minus strand). Cytogenetic location: 15q13.1.
Variant type: single nucleotide variant.
Coding change: c.655G>C on transcript NM_004667.6 (MANE Select); coding-DNA position 655, G replaced by C.
Protein change: p.Asp219His; replaces aspartic acid 219 with histidine.
Molecular consequence: missense variant.
Genome position (GRCh38, 1-based): chr15:28,274,436, C>G on the plus strand (G>C on the coding strand, the complement: HERC2 is on the minus strand). VCF-style: chr15-28274436-C-G. GRCh37 (hg19) VCF-style: chr15-28519582-C-G.
Other names: c.655G>C (NM_004667.5); short protein forms D219H.
Identifiers: ClinVar variation 3857555 (VCV003857555.2).